The following is an entry in ClinVar:

NM_000384.3(APOB):c.9322G>A (p.Glu3108Lys)

Gene: APOB (apolipoprotein B; minus strand). Cytogenetic location: 2p24.1.
Variant type: single nucleotide variant.
Coding change: c.9322G>A on transcript NM_000384.3 (MANE Select); coding-DNA position 9322, G replaced by A.
Protein change: p.Glu3108Lys; replaces glutamic acid 3108 with lysine.
Molecular consequence: missense variant.
Genome position (GRCh38, 1-based): chr2:21,007,546, C>T on the plus strand (G>A on the coding strand, the complement: APOB is on the minus strand). VCF-style: chr2-21007546-C-T. GRCh37 (hg19) VCF-style: chr2-21230418-C-T.
Other names: short protein forms E3108K.
Identifiers: ClinVar variation 924106 (VCV000924106.17), dbSNP rs140240214, ClinGen allele CA066451.
Genomic context (GRCh38, chr2:21,007,546, plus strand): 5'-TGTTTAAGAAATCCAGATTTGCTTCTCCATTTATTCCTACATGGGCCTCCATAATGTTCT[C>T]GTTGTTTCCAGCAGAGAAATTTTGGTTGTACTTATACTGATTGAACCTAGCACTTACTTG-3'
Protein context (NP_000375.3, residues 3098-3118): YNQNFSAGNN[Glu3108Lys]NIMEAHVGIN

ClinVar aggregate classification (germline): Conflicting classifications of pathogenicity. Review status: criteria provided, conflicting classifications (1 of 4 stars). 5 submissions from 5 submitters: Uncertain significance (3); Benign (2). Last evaluated 2025-12-10.

Conditions:
Cardiovascular phenotype. Identifiers: MedGen CN230736.
Hypercholesterolemia, autosomal dominant, type B (FHCL2). Also called: APOLIPOPROTEIN B-100, FAMILIAL DEFECTIVE; APOLIPOPROTEIN B-100, FAMILIAL LIGAND-DEFECTIVE; HYPERCHOLESTEROLEMIA, FAMILIAL, DUE TO LIGAND-DEFECTIVE APOLIPOPROTEIN B; APOB-Related Familial Hypercholesterolemia, Autosomal Dominant; Familial Hypercholesterolemia Type B; Hyperlipoproteinemia Type IIb. Identifiers: MedGen C1704417, MONDO:0007751, OMIM 144010.
Familial hypobetalipoproteinemia 1. Also called: APOB-Related Familial Hypobetalipoproteinemia; Hypobetalipoproteinemia, normotriglyceridemic; Acanthocytosis with hypobetalipoproteinemia. Identifiers: MedGen C4551990, MONDO:0014252, OMIM 615558.

Allele frequency attached by ClinVar (database versions not stated): ExAC 0.00007; ESP Exome Variant Server 0.00015; gnomAD 0.00030 and 0.00033; gnomAD exomes 0.00002 and 0.00006; TOPMed 0.00029.

Submissions (5):

GeneDx
Classification: Uncertain significance. Last evaluated: 2025-12-10. Review status: criteria provided, single submitter. Criteria: GeneDx Variant Classification Process June 2021. Collection method: clinical testing. Allele origin: germline.
Comment: In silico analysis supports that this missense variant has a deleterious effect on protein structure/function; Identified in a cohort of patients with ischemic stroke in published literature (PMID: 36973604); This variant is associated with the following publications: (PMID: 36973604)

Labcorp Genetics (formerly Invitae), Labcorp
Classification: Benign for Familial hypobetalipoproteinemia 1; Hypercholesterolemia, autosomal dominant, type B. Last evaluated: 2025-06-22. Review status: criteria provided, single submitter. Criteria: Invitae Variant Classification Sherloc (09022015). Collection method: clinical testing. Allele origin: germline.

Ambry Genetics
Classification: Benign for Cardiovascular phenotype. Last evaluated: 2022-08-09. Review status: criteria provided, single submitter. Criteria: Ambry Variant Classification Scheme 2023. Collection method: clinical testing. Allele origin: germline.

Fulgent Genetics
Classification: Uncertain significance for Hypercholesterolemia, autosomal dominant, type B; Familial hypobetalipoproteinemia 1. Last evaluated: 2021-11-01. Review status: criteria provided, single submitter. Criteria: ACMG Guidelines, 2015. Collection method: clinical testing. Allele origin: unknown.

Quest Diagnostics Nichols Institute San Juan Capistrano
Classification: Uncertain significance. Last evaluated: 2019-11-10. Review status: criteria provided, single submitter. Criteria: Quest Diagnostics criteria. Collection method: clinical testing. Allele origin: unknown.